The following is an entry in ClinVar:

ClinVar aggregate classification (germline): Uncertain significance. Review status: criteria provided, multiple submitters, no conflicts (2 of 4 stars). 3 submissions from 3 submitters: Uncertain significance (3). Last evaluated 2026-03-01.

Conditions:
Inborn genetic diseases. Identifiers: MedGen C0950123, MeSH D030342.
Hereditary spastic paraplegia 11. Also called: Spastic Paraplegia 11; Nakamura Osame syndrome; Autosomal recessive hereditary spastic paraplegia, mental impairment, and thin corpus callosum; Spastic paraplegia, mental retardation and thin corpus callosum; SPASTIC PARAPLEGIA, AUTOSOMAL RECESSIVE, COMPLICATED, WITH THIN CORPUS CALLOSUM; SPASTIC PARAPLEGIA, AUTOSOMAL RECESSIVE, WITH MENTAL IMPAIRMENT AND THIN CORPUS CALLOSUM. Identifiers: Orphanet 2822, MedGen C1858479, MONDO:0011445, OMIM 604360.

Allele frequency attached by ClinVar (database versions not stated): gnomAD 0.00001; TOPMed 0.00001; gnomAD exomes 0.00004; ExAC 0.00014; ESP Exome Variant Server 0.00016.
gnomAD v4.1: 23 of 1,597,406 alleles (0.0014%); highest among the groups gnomAD compares: South Asian, 0.009%; no homozygotes.

Submissions (3):

CeGaT Center for Human Genetics Tuebingen
Classification: Uncertain significance. Last evaluated: 2026-03-01. Review status: criteria provided, single submitter. Criteria: CeGaT Center For Human Genetics Tuebingen Variant Classification Criteria Version 2. Collection method: clinical testing. Allele origin: germline. Affected: yes. Observed: 1 variant allele.
Comment: SPG11: PM2

Ambry Genetics
Classification: Uncertain significance for Inborn genetic diseases. Last evaluated: 2024-01-03. Review status: criteria provided, single submitter. Criteria: Ambry Variant Classification Scheme 2023. Collection method: clinical testing. Allele origin: germline.

Labcorp Genetics (formerly Invitae), Labcorp
Classification: Uncertain significance for Hereditary spastic paraplegia 11. Last evaluated: 2022-07-21. Review status: criteria provided, single submitter. Criteria: Invitae Variant Classification Sherloc (09022015). Collection method: clinical testing. Allele origin: germline.
Comment: This sequence change replaces proline, which is neutral and non-polar, with leucine, which is neutral and non-polar, at codon 32 of the SPG11 protein (p.Pro32Leu). This variant is present in population databases (rs368405168, gnomAD 0.02%). This variant has not been reported in the literature in individuals affected with SPG11-related conditions. ClinVar contains an entry for this variant (Variation ID: 406510). Algorithms developed to predict the effect of missense changes on protein structure and function (SIFT, PolyPhen-2, Align-GVGD) all suggest that this variant is likely to be tolerated. In summary, the available evidence is currently insufficient to determine the role of this variant in disease. Therefore, it has been classified as a Variant of Uncertain Significance.

NM_025137.4(SPG11):c.95C>T (p.Pro32Leu)

Gene: SPG11 (SPG11 vesicle trafficking associated, spatacsin; minus strand). Cytogenetic location: 15q21.1.
Variant type: single nucleotide variant.
Coding change: c.95C>T on transcript NM_025137.4 (MANE Select); coding-DNA position 95, C replaced by T.
Protein change: p.Pro32Leu; replaces proline 32 with leucine.
Molecular consequence: missense variant.
Genome position (GRCh38, 1-based): chr15:44,663,553, G>A on the plus strand (C>T on the coding strand, the complement: SPG11 is on the minus strand). VCF-style: chr15-44663553-G-A. GRCh37 (hg19) VCF-style: chr15-44955751-G-A.
Other names: c.95C>T, p.Pro32Leu (NM_001160227.2); short protein forms P32L.
Identifiers: ClinVar variation 406510 (VCV000406510.8), dbSNP rs368405168, ClinGen allele CA7535947.